The following is an entry in ClinVar:

NM_000489.6(ATRX):c.1033G>A (p.Ala345Thr)

Gene: ATRX (ATRX chromatin remodeler; minus strand). Cytogenetic location: Xq21.1.
Variant type: single nucleotide variant.
Coding change: c.1033G>A on transcript NM_000489.6 (MANE Select); coding-DNA position 1033, G replaced by A.
Protein change: p.Ala345Thr; replaces alanine 345 with threonine.
Molecular consequence: missense variant.
Genome position (GRCh38, 1-based): chrX:77,684,223, C>T on the plus strand (G>A on the coding strand, the complement: ATRX is on the minus strand). VCF-style: chrX-77684223-C-T. GRCh37 (hg19) VCF-style: chrX-76939715-C-T.
Other names: c.919G>A, p.Ala307Thr (NM_138270.5); short protein forms A345T, A307T.
Identifiers: ClinVar variation 380286 (VCV000380286.48), dbSNP rs149249195, ClinGen allele CA10458243.

ClinVar aggregate classification (germline): Conflicting classifications of pathogenicity. Review status: criteria provided, conflicting classifications (1 of 4 stars). 6 submissions from 6 submitters: Uncertain significance (1); Benign (1); Likely benign (3). 1 of the submissions does not count toward it. Last evaluated 2026-05-01.

Conditions:
Alpha thalassemia-X-linked intellectual disability syndrome (ATRX). Also called: ATR, NONDELETION TYPE; X-linked alpha-thalassemia-mental retardation syndrome; ALPHA-THALASSEMIA/IMPAIRED INTELLECTUAL DEVELOPMENT SYNDROME, X-LINKED; ALPHA-THALASSEMIA/MENTAL RETARDATION SYNDROME, X-LINKED; ATR-X syndrome; Alpha thalassemia mental retardation syndrome, nondeletion type, X-linked. Identifiers: Orphanet 847, MedGen C1845055, MONDO:0010519, OMIM 301040.
Inborn genetic diseases. Identifiers: MedGen C0950123, MeSH D030342.

Allele frequency attached by ClinVar (database versions not stated): gnomAD exomes 0.00011; ESP Exome Variant Server 0.00047; gnomAD 0.00006 and 0.00007; TOPMed 0.00011; ExAC 0.00013.
gnomAD v4.1: 85 of 1,209,283 alleles (0.007%); highest among the groups gnomAD compares: Middle Eastern, 0.046%; no homozygotes.

Submissions (6):

CeGaT Center for Human Genetics Tuebingen
Classification: Likely benign. Last evaluated: 2026-05-01. Review status: criteria provided, single submitter. Criteria: CeGaT Center For Human Genetics Tuebingen Variant Classification Criteria Version 2. Collection method: clinical testing. Allele origin: germline. Affected: yes. Observed: 4 variant alleles.
Comment: ATRX: BS2

Labcorp Genetics (formerly Invitae), Labcorp
Classification: Benign for Alpha thalassemia-X-linked intellectual disability syndrome. Last evaluated: 2026-01-26. Review status: criteria provided, single submitter. Criteria: Invitae Variant Classification Sherloc (09022015). Collection method: clinical testing. Allele origin: germline.

GeneDx
Classification: Likely benign. Last evaluated: 2020-11-24. Review status: criteria provided, single submitter. Criteria: GeneDx Variant Classification Process June 2021. Collection method: clinical testing. Allele origin: germline. Affected: yes.

Ambry Genetics
Classification: Likely benign for Inborn genetic diseases. Last evaluated: 2017-07-20. Review status: criteria provided, single submitter. Criteria: Ambry Variant Classification Scheme 2023. Collection method: clinical testing. Allele origin: germline.

Eurofins Ntd Llc (ga)
Classification: Uncertain significance. Last evaluated: 2016-12-20. Review status: criteria provided, single submitter. Criteria: EGL Classification Definitions 2015. Collection method: clinical testing. Allele origin: germline. Observed: 1 variant allele, 1 heterozygote.

Natera, Inc.
Classification: Likely benign for X-linked alpha-thalassemia-mental retardation syndrome. Last evaluated: 2020-02-11. Review status: no assertion criteria provided. Collection method: clinical testing. Allele origin: germline. Not counted in ClinVar's aggregate classification.